The following is an entry in ClinVar:

NM_004655.4(AXIN2):c.2365G>A (p.Gly789Ser)

Gene: AXIN2 (axin 2; minus strand). Cytogenetic location: 17q24.1.
Variant type: single nucleotide variant.
Coding change: c.2365G>A on transcript NM_004655.4 (MANE Select); coding-DNA position 2365, G replaced by A.
Protein change: p.Gly789Ser; replaces glycine 789 with serine.
Molecular consequence: missense variant.
Genome position (GRCh38, 1-based): chr17:65,533,952, C>T on the plus strand (G>A on the coding strand, the complement: AXIN2 is on the minus strand). VCF-style: chr17-65533952-C-T. GRCh37 (hg19) VCF-style: chr17-63530070-C-T.
Other names: c.2170G>A, p.Gly724Ser (NM_001363813.1); short protein forms G724S, G789S.
Identifiers: ClinVar variation 934377 (VCV000934377.9), dbSNP rs2043865643, ClinGen allele CA400675409.
Genomic context (GRCh38, chr17:65,533,952, plus strand): 5'-AAAAGCCACAGGACTCTTACCTATAATTTCCCTTTTTGCTGAGCTGCTCTTTAAAGTGGC[C>T]CAGGGTCAAGCTCTGAGCCTTCAGCATCCTCCGGTATGGAATTTCTTCCCCACAGAAAAA-3'
Protein context (NP_004646.3, residues 779-799): RMLKAQSLTL[Gly789Ser]HFKEQLSKKG

ClinVar aggregate classification (germline): Uncertain significance (1 of 4 stars; one submission).

Conditions:
Oligodontia-cancer predisposition syndrome. Also called: TOOTH AGENESIS-COLORECTAL CANCER SYNDROME. Identifiers: Orphanet 300576, MedGen C1837750, MONDO:0012075, OMIM 608615. Disease mechanism: loss of function.

Submission:

Labcorp Genetics (formerly Invitae), Labcorp
Classification: Uncertain significance for Oligodontia-cancer predisposition syndrome. Last evaluated: 2019-08-31. Review status: criteria provided, single submitter. Criteria: Invitae Variant Classification Sherloc (09022015). Collection method: clinical testing. Allele origin: germline.
Comment: This sequence change replaces glycine with serine at codon 789 of the AXIN2 protein (p.Gly789Ser). The glycine residue is highly conserved and there is a small physicochemical difference between glycine and serine. This variant is not present in population databases (ExAC no frequency). In summary, the available evidence is currently insufficient to determine the role of this variant in disease. Therefore, it has been classified as a Variant of Uncertain Significance. Algorithms developed to predict the effect of missense changes on protein structure and function are either unavailable or do not agree on the potential impact of this missense change (SIFT: "Tolerated"; PolyPhen-2: "Probably Damaging"; Align-GVGD: "Class C0"). This variant has not been reported in the literature in individuals with AXIN2-related conditions.